The following is an entry in ClinVar:

ClinVar aggregate classification (germline): Conflicting classifications of pathogenicity. Review status: criteria provided, conflicting classifications (1 of 4 stars). 2 submissions from 2 submitters: Uncertain significance (1); Likely benign (1). Last evaluated 2026-06-18.

Conditions:
Tuberous sclerosis 1 (TSC1). Identifiers: Orphanet 805, MedGen C1854465, MONDO:0008612, OMIM 191100.
Hereditary cancer-predisposing syndrome. Also called: Hereditary Cancer Syndrome; Hereditary neoplastic syndrome; Neoplastic Syndromes, Hereditary; Tumor predisposition. Identifiers: Orphanet 140162, MedGen C0027672, MeSH D009386, MONDO:0015356.

Submissions (2):

Ambry Genetics
Classification: Likely benign for Hereditary cancer-predisposing syndrome. Last evaluated: 2026-06-18. Review status: criteria provided, single submitter. Criteria: Ambry Variant Classification Scheme 2023. Collection method: clinical testing. Allele origin: germline.

Labcorp Genetics (formerly Invitae), Labcorp
Classification: Uncertain significance for Tuberous sclerosis 1. Last evaluated: 2023-05-30. Review status: criteria provided, single submitter. Criteria: Invitae Variant Classification Sherloc (09022015). Collection method: clinical testing. Allele origin: germline.
Comment: This variant is not present in population databases (gnomAD no frequency). In summary, the available evidence is currently insufficient to determine the role of this variant in disease. Therefore, it has been classified as a Variant of Uncertain Significance. Advanced modeling of protein sequence and biophysical properties (such as structural, functional, and spatial information, amino acid conservation, physicochemical variation, residue mobility, and thermodynamic stability) performed at Invitae indicates that this missense variant is not expected to disrupt TSC1 protein function. This variant has not been reported in the literature in individuals affected with TSC1-related conditions. This sequence change replaces alanine, which is neutral and non-polar, with valine, which is neutral and non-polar, at codon 492 of the TSC1 protein (p.Ala492Val).

NM_000368.5(TSC1):c.1475C>T (p.Ala492Val)

Gene: TSC1 (TSC complex subunit 1; minus strand). Cytogenetic location: 9q34.13.
Variant type: single nucleotide variant.
Coding change: c.1475C>T on transcript NM_000368.5 (MANE Select); coding-DNA position 1475, C replaced by T.
Protein change: p.Ala492Val; replaces alanine 492 with valine.
Molecular consequence: missense variant. On other transcripts: non-coding transcript variant (5).
Genome position (GRCh38, 1-based): chr9:132,906,103, G>A on the plus strand (C>T on the coding strand, the complement: TSC1 is on the minus strand). VCF-style: chr9-132906103-G-A. GRCh37 (hg19) VCF-style: chr9-135781490-G-A.
Other names: c.1472C>T, p.Ala491Val (NM_001162426.2, NM_001406597.1, NM_001406598.1 and 6 more transcripts); c.1322C>T, p.Ala441Val (NM_001162427.2, NM_001406610.1); c.1112C>T, p.Ala371Val (NM_001362177.2, NM_001406618.1, NM_001406619.1 and 5 more transcripts); c.1475C>T, p.Ala492Val (NM_001406592.1, NM_001406593.1, NM_001406594.1 and 7 more transcripts); c.1109C>T, p.Ala370Val (NM_001406620.1, NM_001406621.1, NM_001406622.1 and 2 more transcripts); c.524C>T, p.Ala175Val (NM_001406626.1); c.521C>T, p.Ala174Val (NM_001406627.1, NM_001406628.1); c.422C>T, p.Ala141Val (NM_001406629.1, NM_001406630.1); and 1 more; short protein forms A141V, A175V, A371V, A491V, A440V, A441V, A174V, A370V.
Identifiers: ClinVar variation 2884114 (VCV002884114.5), dbSNP rs2131848618, ClinGen allele CA375365469.